The following is an entry in ClinVar:

NM_033409.4(SLC52A3):c.833C>G (p.Thr278Arg)

Gene: SLC52A3 (solute carrier family 52 member 3; minus strand). Cytogenetic location: 20p13.
Variant type: single nucleotide variant.
Coding change: c.833C>G on transcript NM_033409.4 (MANE Select); coding-DNA position 833, C replaced by G.
Protein change: p.Thr278Arg; replaces threonine 278 with arginine.
Molecular consequence: missense variant.
Genome position (GRCh38, 1-based): chr20:763,738, G>C on the plus strand (C>G on the coding strand, the complement: SLC52A3 is on the minus strand). VCF-style: chr20-763738-G-C. GRCh37 (hg19) VCF-style: chr20-744382-G-C.
Other names: c.833C>G, p.Thr278Arg (NM_001370085.1, NM_001370086.1); short protein forms T278R.
Identifiers: ClinVar variation 839471 (VCV000839471.9), dbSNP rs3746803, ClinGen allele CA9724671.

ClinVar aggregate classification (germline): Uncertain significance. Review status: criteria provided, multiple submitters, no conflicts (2 of 4 stars). 2 submissions from 2 submitters: Uncertain significance (2). Last evaluated 2022-10-25.

Conditions:
Brown-Vialetto-van Laere syndrome 1. Also called: BROWN-VIALETTO-VAN LAERE SYNDROME 1, MILD; BULBAR PALSY, PROGRESSIVE, WITH SENSORINEURAL DEAFNESS; PONTOBULBAR PALSY WITH DEAFNESS. Identifiers: Orphanet 572550, Orphanet 97229, MedGen C0796274, MONDO:0024537, OMIM 211530.
Inborn genetic diseases. Identifiers: MedGen C0950123, MeSH D030342.

Allele frequency attached by ClinVar (database versions not stated): TOPMed 0.00006.
gnomAD v4.1: 20 of 1,614,048 alleles (0.0012%); highest among the groups gnomAD compares: African/African-American, 0.024%; no homozygotes.

Submissions (2):

Labcorp Genetics (formerly Invitae), Labcorp
Classification: Uncertain significance for Brown-Vialetto-van Laere syndrome 1. Last evaluated: 2022-10-25. Review status: criteria provided, single submitter. Criteria: Invitae Variant Classification Sherloc (09022015). Collection method: clinical testing. Allele origin: germline.
Comment: In summary, the available evidence is currently insufficient to determine the role of this variant in disease. Therefore, it has been classified as a Variant of Uncertain Significance. Advanced modeling of protein sequence and biophysical properties (such as structural, functional, and spatial information, amino acid conservation, physicochemical variation, residue mobility, and thermodynamic stability) performed at Invitae indicates that this missense variant is not expected to disrupt SLC52A3 protein function. ClinVar contains an entry for this variant (Variation ID: 839471). This variant has not been reported in the literature in individuals affected with SLC52A3-related conditions. This variant is present in population databases (rs3746803, gnomAD 0.01%). This sequence change replaces threonine, which is neutral and polar, with arginine, which is basic and polar, at codon 278 of the SLC52A3 protein (p.Thr278Arg).

Ambry Genetics
Classification: Uncertain significance for Inborn genetic diseases. Last evaluated: 2020-08-04. Review status: criteria provided, single submitter. Criteria: Ambry Variant Classification Scheme 2023. Collection method: clinical testing. Allele origin: germline.
Comment: The p.T278R variant (also known as c.833C>G), located in coding exon 2 of the SLC52A3 gene, results from a C to G substitution at nucleotide position 833. The threonine at codon 278 is replaced by arginine, an amino acid with similar properties. This amino acid position is poorly conserved in available vertebrate species. In addition, this alteration is predicted to be tolerated by in silico analysis. Since supporting evidence is limited at this time, the clinical significance of this alteration remains unclear.